The following is an entry in ClinVar:

GRCh38/hg38 Xq21.33(chrX:95170882-95822404)x3

Gene: LOC126863290 (CDK7 strongly-dependent group 2 enhancer GRCh37_chrX:94544817-94546016; plus strand). Cytogenetic location: Xq21.33.
Variant type: copy number gain.
Change: copy number 3 of chrX:95,170,882-95,822,404 (651.5 kb, GRCh38 coordinates, 1-based), cytogenetic band Xq21.33.
Identifiers: ClinVar variation 60349 (VCV000060349.1).

ClinVar aggregate classification (germline): Uncertain significance (1 of 4 stars; one submission).

Submission:

ISCA site 14
Classification: Uncertain significance. Last evaluated: 2011-08-12. Review status: criteria provided, single submitter. Criteria: Kaminsky et al. (Genet Med. 2011). Collection method: clinical testing. Allele origin: paternal. Affected: yes. Observed: 1 variant allele.
Comment: Copy number variation identified through the course of routine clinical cytogenomic testing in postnatal populations. Clinical assertions have been curated as described in Kaminsky et al. 2011.